The following is an entry in ClinVar:

NM_152703.5(SAMD9L):c.3221G>A (p.Gly1074Glu)

Gene: SAMD9L (sterile alpha motif domain containing 9 like; minus strand). Cytogenetic location: 7q21.2.
Variant type: single nucleotide variant.
Coding change: c.3221G>A on transcript NM_152703.5 (MANE Select); coding-DNA position 3221, G replaced by A.
Protein change: p.Gly1074Glu; replaces glycine 1074 with glutamic acid.
Molecular consequence: missense variant.
Genome position (GRCh38, 1-based): chr7:93,132,751, C>T on the plus strand (G>A on the coding strand, the complement: SAMD9L is on the minus strand). VCF-style: chr7-93132751-C-T. GRCh37 (hg19) VCF-style: chr7-92762064-C-T.
Other names: c.3221G>A, p.Gly1074Glu (NM_001303496.3, NM_001303497.3, NM_001303498.3 and 5 more transcripts); short protein forms G1074E.
Identifiers: ClinVar variation 4699204 (VCV004699204.1).

ClinVar aggregate classification (germline): Uncertain significance (1 of 4 stars; one submission).

gnomAD v4.1: 2 of 1,613,736 alleles (0.00012%); highest among the groups gnomAD compares: Non-Finnish European, 0.00017%; no homozygotes.

Submission:

Labcorp Genetics (formerly Invitae), Labcorp
Classification: Uncertain significance. Last evaluated: 2025-02-12. Review status: criteria provided, single submitter. Criteria: Invitae Variant Classification Sherloc (09022015). Collection method: clinical testing. Allele origin: germline.
Comment: This sequence change replaces glycine, which is neutral and non-polar, with glutamic acid, which is acidic and polar, at codon 1074 of the SAMD9L protein (p.Gly1074Glu). This variant is present in population databases (no rsID available, gnomAD 0.0009%). This variant has not been reported in the literature in individuals affected with SAMD9L-related conditions. Invitae Evidence Modeling of protein sequence and biophysical properties (such as structural, functional, and spatial information, amino acid conservation, physicochemical variation, residue mobility, and thermodynamic stability) indicates that this missense variant is expected to disrupt SAMD9L protein function with a positive predictive value of 80%. In summary, the available evidence is currently insufficient to determine the role of this variant in disease. Therefore, it has been classified as a Variant of Uncertain Significance.